The following is an entry in ClinVar:

NM_000642.3(AGL):c.958+2T>C

Gene: AGL (amylo-alpha-1,6-glucosidase and 4-alpha-glucanotransferase; plus strand). Cytogenetic location: 1p21.2.
Variant type: single nucleotide variant.
Coding change: c.958+2T>C on transcript NM_000642.3 (MANE Select); the canonical splice donor site of the intron after coding-DNA position 958, T replaced by C.
Molecular consequence: splice donor variant.
Genome position (GRCh38, 1-based): chr1:99,870,871, T>C. VCF-style: chr1-99870871-T-C. GRCh37 (hg19) VCF-style: chr1-100336427-T-C.
Other names: c.958+2T>C (NM_000643.3, NM_000644.3, NM_001425326.1 and 3 more transcripts); c.910+2T>C (NM_000646.3); c.754+2T>C (NM_001425328.1, NM_001425329.1); c.580+2T>C (NM_001425332.1).
Identifiers: ClinVar variation 3642521 (VCV003642521.2).

ClinVar aggregate classification (germline): Likely pathogenic (1 of 4 stars; one submission).

Conditions:
Glycogen storage disease type III (GSD3). Also called: FORBES DISEASE; Cori disease. Identifiers: Orphanet 366, MedGen C0017922, MONDO:0009291, OMIM 232400.

Submission:

Labcorp Genetics (formerly Invitae), Labcorp
Classification: Likely pathogenic for Glycogen storage disease type III. Last evaluated: 2024-02-22. Review status: criteria provided, single submitter. Criteria: Invitae Variant Classification Sherloc (09022015). Collection method: clinical testing. Allele origin: germline.
Comment: This sequence change affects a donor splice site in intron 7 of the AGL gene. It is expected to disrupt RNA splicing. Variants that disrupt the donor or acceptor splice site typically lead to a loss of protein function (PMID: 16199547), and loss-of-function variants in AGL are known to be pathogenic (PMID: 19299494). This variant is present in population databases (no rsID available, gnomAD 0.0009%). This variant has not been reported in the literature in individuals affected with AGL-related conditions. Algorithms developed to predict the effect of sequence changes on RNA splicing suggest that this variant may disrupt the consensus splice site. In summary, the currently available evidence indicates that the variant is pathogenic, but additional data are needed to prove that conclusively. Therefore, this variant has been classified as Likely Pathogenic.

Literature cited by the submitters: PubMed 16199547; PubMed 19299494.